The following is an entry in ClinVar:

ClinVar aggregate classification (germline): Benign/Likely benign. Review status: criteria provided, multiple submitters, no conflicts (2 of 4 stars). 8 submissions from 8 submitters: Benign (1); Likely benign (7). Last evaluated 2026-05-19.

Conditions:
Hereditary cancer-predisposing syndrome. Also called: Tumor predisposition; Neoplastic Syndromes, Hereditary; Hereditary Cancer Syndrome; Hereditary neoplastic syndrome. Identifiers: Orphanet 140162, MedGen C0027672, MeSH D009386, MONDO:0015356.
Neurofibromatosis-Noonan syndrome (NFNS). Also called: NEUROFIBROMATOSIS WITH NOONAN PHENOTYPE. Identifiers: Orphanet 638, MedGen C2931482, MONDO:0011035, OMIM 601321. Disease mechanism: loss of function.
Café-au-lait macules with pulmonary stenosis (WTSN). Also called: PULMONIC STENOSIS WITH CAFE-AU-LAIT SPOTS. Identifiers: MedGen C0553586, MONDO:0008672, OMIM 193520.
Neurofibromatosis, type 1 (NF1). Also called: Neurofibromatosis, type I; Peripheral type neurofibromatosis; NEUROFIBROMATOSIS, TYPE I, SOMATIC; VON RECKLINGHAUSEN DISEASE. Identifiers: Orphanet 636, MedGen C0027831, MONDO:0018975, OMIM 162200. Disease mechanism: loss of function.
Neurofibromatosis, familial spinal (FSNF). Identifiers: Orphanet 636, MedGen C1834235, MONDO:0008078, OMIM 162210. Disease mechanism: loss of function.
Juvenile myelomonocytic leukemia (JMML). Also called: LEUKEMIA, JUVENILE MYELOMONOCYTIC, SOMATIC. Identifiers: Orphanet 86834, MedGen C0349639, MONDO:0011908, OMIM 607785, HP:0012209.

Allele frequency attached by ClinVar (database versions not stated): gnomAD exomes 0.00001 and 0.00002.
gnomAD v4.1: 23 of 1,613,854 alleles (0.0014%); highest among the groups gnomAD compares: Admixed American, 0.0017%; no homozygotes.

Submissions (8):

Myriad Genetics, Inc.
Classification: Benign for Neurofibromatosis, type 1. Last evaluated: 2026-05-19. Review status: criteria provided, single submitter. Criteria: Myriad Autosomal Dominant, Autosomal Recessive and X-Linked Classification Criteria (2023). Collection method: clinical testing. Allele origin: unknown.
Comment: This variant is considered benign. This variant is a silent/synonymous amino acid change and it is not expected to impact splicing.

Women's Health and Genetics/Laboratory Corporation of America, LabCorp
Classification: Likely benign. Last evaluated: 2026-05-15. Review status: criteria provided, single submitter. Criteria: LabCorp Variant Classification Summary - May 2015. Collection method: clinical testing. Allele origin: germline.

Labcorp Genetics (formerly Invitae), Labcorp
Classification: Likely benign for Neurofibromatosis, type 1. Last evaluated: 2026-01-01. Review status: criteria provided, single submitter. Criteria: Invitae Variant Classification Sherloc (09022015). Collection method: clinical testing. Allele origin: germline.

Blueprint Genetics
Classification: Likely benign. Last evaluated: 2024-05-29. Review status: criteria provided, single submitter. Criteria: ACMG Guidelines, 2015. Collection method: clinical testing. Allele origin: germline.

Genome-Nilou Lab
Classification: Likely benign for Neurofibromatosis, type 1. Last evaluated: 2022-03-15. Review status: criteria provided, single submitter. Criteria: ACMG Guidelines, 2015. Collection method: clinical testing. Allele origin: germline. Affected: no.

Fulgent Genetics
Classification: Likely benign for Neurofibromatosis, type 1; Neurofibromatosis, familial spinal; Café-au-lait macules with pulmonary stenosis; Neurofibromatosis-Noonan syndrome; Juvenile myelomonocytic leukemia. Last evaluated: 2021-07-02. Review status: criteria provided, single submitter. Criteria: ACMG Guidelines, 2015. Collection method: clinical testing. Allele origin: unknown.

GeneDx
Classification: Likely benign. Last evaluated: 2020-05-04. Review status: criteria provided, single submitter. Criteria: GeneDx Variant Classification Process June 2021. Collection method: clinical testing. Allele origin: germline. Affected: yes.

Ambry Genetics
Classification: Likely benign for Hereditary cancer-predisposing syndrome. Last evaluated: 2015-04-10. Review status: criteria provided, single submitter. Criteria: Ambry Autosomal Dominant and X-Linked criteria (10/2015). Collection method: clinical testing. Allele origin: germline. Observed: 1 variant allele.

Literature cited by the submitters: PubMed 10678181 (cited by Women's Health and Genetics/Laboratory Corporation of America, LabCorp); PubMed 23460398 (cited by Women's Health and Genetics/Laboratory Corporation of America, LabCorp); PubMed 29872168 (cited by Women's Health and Genetics/Laboratory Corporation of America, LabCorp); PubMed 27069254 (cited by Women's Health and Genetics/Laboratory Corporation of America, LabCorp).

NM_001042492.3(NF1):c.4206C>T (p.Ile1402=)

Gene: NF1 (neurofibromin 1; plus strand). Cytogenetic location: 17q11.2.
Variant type: single nucleotide variant.
Coding change: c.4206C>T on transcript NM_001042492.3 (MANE Select); coding-DNA position 4206, C replaced by T.
Protein change: p.Ile1402=; no amino-acid change (isoleucine 1402 retained).
Molecular consequence: synonymous variant.
Genome position (GRCh38, 1-based): chr17:31,258,376, C>T. VCF-style: chr17-31258376-C-T. GRCh37 (hg19) VCF-style: chr17-29585394-C-T.
Other names: c.4143C>T, p.Ile1381= (NM_000267.4).
Identifiers: ClinVar variation 220165 (VCV000220165.19), dbSNP rs864622406, ClinGen allele CA349978.